The following is an entry in ClinVar:

ClinVar aggregate classification (germline): Uncertain significance (1 of 4 stars; one submission).

Allele frequency attached by ClinVar (database versions not stated): gnomAD exomes 0.00001 and 0.00004; TOPMed 0.00001; ExAC 0.00007; 1000 Genomes Project 30x 0.00016; 1000 Genomes Project 0.00020.
gnomAD v4.1: 28 of 1,613,690 alleles (0.0017%); highest among the groups gnomAD compares: East Asian, 0.027%; no homozygotes.

Submission:

Labcorp Genetics (formerly Invitae), Labcorp
Classification: Uncertain significance. Last evaluated: 2024-08-17. Review status: criteria provided, single submitter. Criteria: Invitae Variant Classification Sherloc (09022015). Collection method: clinical testing. Allele origin: germline.
Comment: This sequence change replaces arginine, which is basic and polar, with histidine, which is basic and polar, at codon 869 of the KIF11 protein (p.Arg869His). This variant is present in population databases (rs202131190, gnomAD 0.02%). This variant has not been reported in the literature in individuals affected with KIF11-related conditions. ClinVar contains an entry for this variant (Variation ID: 1348976). Invitae Evidence Modeling of protein sequence and biophysical properties (such as structural, functional, and spatial information, amino acid conservation, physicochemical variation, residue mobility, and thermodynamic stability) indicates that this missense variant is not expected to disrupt KIF11 protein function with a negative predictive value of 80%. In summary, the available evidence is currently insufficient to determine the role of this variant in disease. Therefore, it has been classified as a Variant of Uncertain Significance.

NM_004523.4(KIF11):c.2606G>A (p.Arg869His)

Gene: KIF11 (kinesin family member 11; plus strand). Cytogenetic location: 10q23.33.
Variant type: single nucleotide variant.
Coding change: c.2606G>A on transcript NM_004523.4 (MANE Select); coding-DNA position 2606, G replaced by A.
Protein change: p.Arg869His; replaces arginine 869 with histidine.
Molecular consequence: missense variant.
Genome position (GRCh38, 1-based): chr10:92,648,270, G>A. VCF-style: chr10-92648270-G-A. GRCh37 (hg19) VCF-style: chr10-94408027-G-A.
Other names: short protein forms R869H.
Identifiers: ClinVar variation 1348976 (VCV001348976.6), dbSNP rs202131190, ClinGen allele CA5604428.
Genomic context (GRCh38, chr10:92,648,270, plus strand): 5'-AGGTTGTAAGCCAATGTTGTGAGGCTTCAAGTTCAGACATCACTGAGAAATCAGATGGAC[G>A]TAAGGCAGCTCATGAGAAACAGCATAACATTTTTCTTGATCAGATGACTATTGATGAAGA-3'
Protein context (NP_004514.2, residues 859-879): SSDITEKSDG[Arg869His]KAAHEKQHNI